The following is an entry in ClinVar:

ClinVar aggregate classification (germline): Uncertain significance (1 of 4 stars; one submission).

Submission:

Mayo Clinic Laboratories, Mayo Clinic
Classification: Uncertain significance. Last evaluated: 2025-10-28. Review status: criteria provided, single submitter. Criteria: ACMG Guidelines, 2015. Collection method: clinical testing. Allele origin: germline. Observed: 1 variant allele.
Comment: PM2_supporting

NM_001376013.1(EPB41):c.1129A>T (p.Met377Leu)

Gene: EPB41 (erythrocyte membrane protein band 4.1; plus strand). Cytogenetic location: 1p35.3.
Variant type: single nucleotide variant.
Coding change: c.1129A>T on transcript NM_001376013.1 (MANE Select); coding-DNA position 1129, A replaced by T.
Protein change: p.Met377Leu; replaces methionine 377 with leucine.
Molecular consequence: missense variant.
Genome position (GRCh38, 1-based): chr1:29,030,404, A>T. VCF-style: chr1-29030404-A-T. GRCh37 (hg19) VCF-style: chr1-29356916-A-T.
Other names: p.Met377Leu; c.1129A>T, p.Met377Leu (NM_001166005.2, NM_001166006.2, NM_001376014.1 and 7 more transcripts); c.502A>T, p.Met168Leu (NM_001166007.2, NM_001376022.1, NM_001376023.1 and 7 more transcripts); c.1024A>T, p.Met342Leu (NM_203343.3); short protein forms M168L, M342L, M377L.
Identifiers: ClinVar variation 4540956 (VCV004540956.1).